The following is an entry in ClinVar:

NM_007294.4(BRCA1):c.59A>T (p.Lys20Ile)

Gene: BRCA1 (BRCA1 DNA repair associated; minus strand). Cytogenetic location: 17q21.31.
Variant type: single nucleotide variant.
Coding change: c.59A>T on transcript NM_007294.4 (MANE Select); coding-DNA position 59, A replaced by T.
Protein change: p.Lys20Ile; replaces lysine 20 with isoleucine.
Molecular consequence: missense variant. On other transcripts: 5 prime UTR variant (1), non-coding transcript variant (1).
Genome position (GRCh38, 1-based): chr17:43,124,038, T>A on the plus strand (A>T on the coding strand, the complement: BRCA1 is on the minus strand). VCF-style: chr17-43124038-T-A. GRCh37 (hg19) VCF-style: chr17-41276055-T-A.
Other names: c.59A>T, p.Lys20Ile (NM_001407618.1, NM_001407619.1, NM_001407620.1 and 193 more transcripts); c.-199A>T (NM_001407694.1, NM_001407724.1, NM_001407727.1 and 11 more transcripts); c.-203A>T (NM_001407695.1, NM_001408465.1); c.-344A>T (NM_001407696.1); c.-228A>T (NM_001407697.1, NM_001407846.1, NM_001407920.1); c.-29A>T (NM_001407698.1, NM_001407732.1, NM_001407736.1 and 23 more transcripts); c.-202A>T (NM_001407725.1, NM_001407730.1, NM_001407734.1 and 22 more transcripts); c.-148A>T (NM_001407726.1, NM_001407751.1); and 8 more; short protein forms K20I.
Identifiers: ClinVar variation 868775 (VCV000868775.3), dbSNP rs2055724752, ClinGen allele CA10602036.

Conditions:
Breast-ovarian cancer, familial, susceptibility to, 1 (BROVCA1). Also called: BRCA1 Hereditary Breast and Ovarian Cancer; OVARIAN CANCER, SUSCEPTIBILITY TO. Identifiers: Orphanet 145, MedGen C2676676, MONDO:0011450, OMIM 604370. Disease mechanism: loss of function.

Submission:

Brotman Baty Institute, University of Washington
No classification provided (evidence only). Condition: Breast-ovarian cancer, familial 1. Review status: no classification provided. Collection method: in vitro. Allele origin: not applicable. Functional consequence: functionally_normal.
ClinVar note: "not provided" was previously submitted as the classification for the variant. However, the classification appeared to be based only on an observation of functional data so it was converted to no classification on 2025-07-30.